The following is an entry in ClinVar:

NM_000136.3(FANCC):c.1262C>T (p.Ala421Val)

Genes: AOPEP (aminopeptidase O (putative); plus strand), FANCC (FA complementation group C; minus strand). Cytogenetic location: 9q22.32.
Variant type: single nucleotide variant.
Coding change: c.1262C>T on transcript NM_000136.3 (MANE Select); coding-DNA position 1262, C replaced by T.
Protein change: p.Ala421Val; replaces alanine 421 with valine.
Molecular consequence: missense variant.
Genome position (GRCh38, 1-based): chr9:95,111,530, G>A on the plus strand (C>T on the coding strand, the complement: FANCC is on the minus strand). VCF-style: chr9-95111530-G-A. GRCh37 (hg19) VCF-style: chr9-97873812-G-A.
Other names: c.1262C>T, p.Ala421Val (NM_001243743.2, NM_001243744.2); short protein forms A421V.
Identifiers: ClinVar variation 3848334 (VCV003848334.1).

ClinVar aggregate classification (germline): Uncertain significance (1 of 4 stars; one submission).

Conditions:
Hereditary cancer-predisposing syndrome. Also called: Hereditary neoplastic syndrome; Neoplastic Syndromes, Hereditary; Tumor predisposition; Hereditary Cancer Syndrome. Identifiers: Orphanet 140162, MedGen C0027672, MeSH D009386, MONDO:0015356.

Submission:

Ambry Genetics
Classification: Uncertain significance for Hereditary cancer-predisposing syndrome. Last evaluated: 2025-01-03. Review status: criteria provided, single submitter. Criteria: Ambry Variant Classification Scheme 2023. Collection method: clinical testing. Allele origin: germline.
Comment: The p.A421V variant (also known as c.1262C>T), located in coding exon 12 of the FANCC gene, results from a C to T substitution at nucleotide position 1262. The alanine at codon 421 is replaced by valine, an amino acid with similar properties. This amino acid position is conserved. In addition, this alteration is predicted to be tolerated by in silico analysis. Based on the available evidence, the clinical significance of this variant remains unclear.